The following is an entry in ClinVar:

ClinVar aggregate classification (germline): Likely benign (1 of 4 stars; one submission).

gnomAD v4.1: 2 of 1,613,420 alleles (0.00012%); highest among the groups gnomAD compares: East Asian, 0.0022%; no homozygotes.

Submission:

CeGaT Center for Human Genetics Tuebingen
Classification: Likely benign. Last evaluated: 2026-06-01. Review status: criteria provided, single submitter. Criteria: CeGaT Center For Human Genetics Tuebingen Variant Classification Criteria Version 2. Collection method: clinical testing. Allele origin: germline. Affected: yes. Observed: 1 variant allele.
Comment: PLXNA1: BP4, BP7

NM_032242.4(PLXNA1):c.4185G>A (p.Thr1395=)

Gene: PLXNA1 (plexin A1; plus strand). Cytogenetic location: 3q21.3.
Variant type: single nucleotide variant.
Coding change: c.4185G>A on transcript NM_032242.4 (MANE Select); coding-DNA position 4185, G replaced by A.
Protein change: p.Thr1395=; no amino-acid change (threonine 1395 retained).
Molecular consequence: synonymous variant.
Genome position (GRCh38, 1-based): chr3:127,022,231, G>A. VCF-style: chr3-127022231-G-A. GRCh37 (hg19) VCF-style: chr3-126741074-G-A.
Identifiers: ClinVar variation 4873791 (VCV004873791.2).